The following is an entry in ClinVar:

ClinVar aggregate classification (germline): Uncertain significance (1 of 4 stars; one submission).

Conditions:
Ataxia-telangiectasia syndrome (AT). Also called: LOUIS-BAR SYNDROME; Cerebello-oculocutaneous telangiectasia; Immunodeficiency with ataxia telangiectasia; Ataxia-telangiectasia, complementation group D; AT, COMPLEMENTATION GROUP C; ATAXIA-TELANGIECTASIA, COMPLEMENTATION GROUP A. Identifiers: Orphanet 100, MedGen C0004135, MONDO:0008840, OMIM 208900.

Submission:

Labcorp Genetics (formerly Invitae), Labcorp
Classification: Uncertain significance for Ataxia-telangiectasia syndrome. Last evaluated: 2025-10-13. Review status: criteria provided, single submitter. Criteria: Invitae Variant Classification Sherloc (09022015). Collection method: clinical testing. Allele origin: germline.
Comment: This sequence change falls in intron 49 of the ATM gene. It does not directly change the encoded amino acid sequence of the ATM protein. It affects a nucleotide within the consensus splice site. This variant is not present in population databases (gnomAD no frequency). This variant has not been reported in the literature in individuals affected with ATM-related conditions. Variants that disrupt the consensus splice site are a relatively common cause of aberrant splicing (PMID: 17576681, 9536098). Algorithms developed to predict the effect of sequence changes on RNA splicing suggest that this variant is not likely to affect RNA splicing. In summary, the available evidence is currently insufficient to determine the role of this variant in disease. Therefore, it has been classified as a Variant of Uncertain Significance.

Literature cited by the submitters: PubMed 17576681; PubMed 9536098.

NM_000051.4(ATM):c.7307+5C>G

Genes: ATM (ATM serine/threonine kinase; plus strand), C11orf65 (chromosome 11 open reading frame 65; minus strand). Cytogenetic location: 11q22.3.
Variant type: single nucleotide variant.
Coding change: c.7307+5C>G on transcript NM_000051.4 (MANE Select); 5 bases into the intron after coding-DNA position 7307, C replaced by G.
Molecular consequence: intron variant.
Genome position (GRCh38, 1-based): chr11:108,329,243, C>G. VCF-style: chr11-108329243-C-G. GRCh37 (hg19) VCF-style: chr11-108199970-C-G.
Other names: c.7307+5C>G (NM_001351834.2); c.641-20172G>C (NM_001330368.2); c.*38+5977G>C (NM_001351110.2).
Identifiers: ClinVar variation 4768334 (VCV004768334.1).